The following is an entry in ClinVar:

ClinVar aggregate classification (germline): Uncertain significance (1 of 4 stars; one submission).

Allele frequency attached by ClinVar (database versions not stated): gnomAD exomes below 0.00001.
gnomAD v4.1: 1 of 1,613,714 alleles (0.000062%); highest among the groups gnomAD compares: Non-Finnish European, 0.000085%; no homozygotes.

Submission:

Laboratory for Molecular Medicine, Mass General Brigham Personalized Medicine
Classification: Uncertain significance. Last evaluated: 2015-06-25. Review status: criteria provided, single submitter. Criteria: LMM Criteria. Collection method: clinical testing. Allele origin: germline. Observed: 1 variant allele.
Comment: The p.Ser3895Gly variant in TTN has not been previously reported in individuals with cardiomyopathy and was absent from large population studies. Computational prediction tools and conservation analysis do not provide strong support for or against an impact to the protein. In summary, the clinical significance of the p .Ser3895Gly variant is uncertain.

NM_001267550.2(TTN):c.15415A>G (p.Ser5139Gly)

Gene: TTN (titin; minus strand). Cytogenetic location: 2q31.2.
Variant type: single nucleotide variant.
Coding change: c.15415A>G on transcript NM_001267550.2 (MANE Select); coding-DNA position 15415, A replaced by G.
Protein change: p.Ser5139Gly; replaces serine 5139 with glycine.
Molecular consequence: missense variant. On other transcripts: intron variant (3).
Genome position (GRCh38, 1-based): chr2:178,734,409, T>C on the plus strand (A>G on the coding strand, the complement: TTN is on the minus strand). VCF-style: chr2-178734409-T-C. GRCh37 (hg19) VCF-style: chr2-179599136-T-C.
Other names: c.11683A>G, p.Ser3895Gly (NM_133378.4); c.14464A>G, p.Ser4822Gly (NM_001256850.1); c.13282+3673A>G (NM_003319.4); c.13858+3673A>G (NM_133437.4); c.13657+3673A>G (NM_133432.3); short protein forms S3895G, S5139G, S4822G.
Identifiers: ClinVar variation 229386 (VCV000229386.5), dbSNP rs876658040, ClinGen allele CA10576558.